The following is an entry in ClinVar:

NM_003924.4(PHOX2B):c.382C>T (p.Arg128Trp)

Gene: PHOX2B (paired like homeobox 2B; minus strand). Cytogenetic location: 4p13.
Variant type: single nucleotide variant.
Coding change: c.382C>T on transcript NM_003924.4 (MANE Select); coding-DNA position 382, C replaced by T.
Protein change: p.Arg128Trp; replaces arginine 128 with tryptophan.
Molecular consequence: missense variant.
Genome position (GRCh38, 1-based): chr4:41,747,396, G>A on the plus strand (C>T on the coding strand, the complement: PHOX2B is on the minus strand). VCF-style: chr4-41747396-G-A. GRCh37 (hg19) VCF-style: chr4-41749413-G-A.
Other names: short protein forms R128W.
Identifiers: ClinVar variation 2631255 (VCV002631255.3), dbSNP rs2552097017, ClinGen allele CA356739946.

ClinVar aggregate classification (germline): Uncertain significance. Review status: criteria provided, multiple submitters, no conflicts (2 of 4 stars). 2 submissions from 2 submitters: Uncertain significance (2). Last evaluated 2025-09-30.

Conditions:
PHOX2B-related disorder. Also called: PHOX2B-related condition.
Hereditary cancer-predisposing syndrome. Also called: Tumor predisposition; Hereditary Cancer Syndrome; Hereditary neoplastic syndrome; Neoplastic Syndromes, Hereditary. Identifiers: Orphanet 140162, MedGen C0027672, MeSH D009386, MONDO:0015356.

Submissions (2):

PreventionGenetics, part of Exact Sciences
Classification: Uncertain significance for PHOX2B-related condition. Last evaluated: 2025-09-30. Review status: criteria provided, single submitter. Criteria: ACMG Guidelines, 2015. Collection method: clinical testing. Allele origin: germline.
Comment: The PHOX2B c.382C>T variant is predicted to result in the amino acid substitution p.Arg128Trp. To our knowledge, this variant has not been reported in the literature or in a large population database (gnomAD), indicating this variant is rare. At this time, the clinical significance of this variant is uncertain due to the absence of conclusive functional and genetic evidence.

Ambry Genetics
Classification: Uncertain significance for Hereditary cancer-predisposing syndrome. Last evaluated: 2025-05-07. Review status: criteria provided, single submitter. Criteria: Ambry Variant Classification Scheme 2023. Collection method: clinical testing. Allele origin: germline.
Comment: The p.R128W variant (also known as c.382C>T), located in coding exon 2 of the PHOX2B gene, results from a C to T substitution at nucleotide position 382. The arginine at codon 128 is replaced by tryptophan, an amino acid with dissimilar properties. This amino acid position is conserved. In addition, this alteration is predicted to be deleterious by in silico analysis. Based on the available evidence, the clinical significance of this variant remains unclear.